The following is an entry in ClinVar:

NM_001081550.2(THOC2):c.506A>G (p.Asn169Ser)

Gene: THOC2 (THO complex subunit 2; minus strand). Cytogenetic location: Xq25.
Variant type: single nucleotide variant.
Coding change: c.506A>G on transcript NM_001081550.2 (MANE Select); coding-DNA position 506, A replaced by G.
Protein change: p.Asn169Ser; replaces asparagine 169 with serine.
Molecular consequence: missense variant.
Genome position (GRCh38, 1-based): chrX:123,696,116, T>C on the plus strand (A>G on the coding strand, the complement: THOC2 is on the minus strand). VCF-style: chrX-123696116-T-C. GRCh37 (hg19) VCF-style: chrX-122829966-T-C.
Other names: short protein forms N169S.
Identifiers: ClinVar variation 3364943 (VCV003364943.1).

ClinVar aggregate classification (germline): Uncertain significance (1 of 4 stars; one submission).

Submission:

GeneDx
Classification: Uncertain significance. Last evaluated: 2023-11-29. Review status: criteria provided, single submitter. Criteria: GeneDx Variant Classification Process June 2021. Collection method: clinical testing. Allele origin: germline. Affected: yes.
Comment: Not observed at significant frequency in large population cohorts (gnomAD); In silico analysis supports that this missense variant does not alter protein structure/function; Has not been previously published as pathogenic or benign to our knowledge